The following is an entry in ClinVar:

NM_014608.2(CYFIP1):c.1111delG

Gene: CYFIP1 (cytoplasmic FMR1 interacting protein 1; minus strand). Cytogenetic location: 15q11.2.
Variant type: Deletion.
Coding change: c.1111delG on transcript NM_014608.2; coding-DNA position 1111, one base deleted (G).
Genome position (GRCh38, 1-based): chr15:22,928,028, C deleted on the plus strand (G on the coding strand, the reverse complement: CYFIP1 is on the minus strand); the first of 2 consecutive C bases (chr15:22,928,028-22,928,029); deleting either gives the same sequence. VCF-style (leftmost placement, unchanged base first): chr15-22928027-AC-A. GRCh37 (hg19) VCF-style: chr15-22945038-AG-A.
Identifiers: ClinVar variation 4869557 (VCV004869557.1).
Genomic context (GRCh38, chr15:22,928,027, plus strand): 5'-AAGAGCTTGCGGTACTCCGCGTCCGTCTTCTGGGCCTCCTGGCGGCCCGAGCCCGTGACC[AC>A]CTGCACAAGGCGGGCACGGCCCCGTGAGAAACCAGCGCCCCCACCCAGCTCCCCCCATCC-3'

ClinVar aggregate classification (germline): Uncertain significance (1 of 4 stars; one submission).

Submission:

Ambry Genetics
Classification: Uncertain significance. Last evaluated: 2026-06-02. Review status: criteria provided, single submitter. Criteria: Ambry Variant Classification Scheme 2023. Collection method: clinical testing. Allele origin: germline.
Comment: The c.1111delG (p.V371Wfs*38) alteration, located in exon 12 (coding exon 11) of the CYFIP1 gene, consists of a deletion of one nucleotide at position 1111, causing a translational frameshift with a predicted alternate stop codon after 38 amino acids. This variant is expected to result in premature protein truncation or nonsense-mediated mRNA decay. However, loss of function of CYFIP1 has not been established as a mechanism of disease. This variant was not reported in population-based cohorts in the Genome Aggregation Database (gnomAD). Based on insufficient or conflicting evidence, the clinical significance of this alteration remains unclear.